The following is an entry in ClinVar:

ClinVar aggregate classification (germline): Pathogenic (1 of 4 stars; one submission).

Conditions:
Developmental and epileptic encephalopathy, 70. Also called: EPILEPTIC ENCEPHALOPATHY, EARLY INFANTILE, 70. Identifiers: MedGen C4749023, MONDO:0032663, OMIM 618298.

Submission:

New York Genome Center
Classification: Pathogenic for Developmental and epileptic encephalopathy, 70. Last evaluated: 2021-05-18. Review status: criteria provided, single submitter. Criteria: NYGC Assertion Criteria 2020. Collection method: clinical testing. Allele origin: de novo. Observed: 1 heterozygote, 1 mosaic individual. Study: CSER-NYCKidSeq.
Comment: The mosaic de novo c.1606C>A, p.Leu536Met missense variant identified in PHACTR1 has not been reported in the literature. This variant is not reported in thegnomAD v3.1 database, indicating a rare allele, and in silico tools predict a deleterious effect. The variant is located in the RPEL repeat domain 3 (RPEL3). Many of the pathogenic variants in PHACTR1 have been identified within one of the RPEL domains (PMID: 30256902; PMID: 23033978; PMID:28135719). RPEL repeats have been shown to be required for unpolymerised actin binding and proteins containing RPEL repeats are able to modify cell shape and/or are important in the regulation of geneexpression by the actin cytoskeleton. RPEL repeats can be found in association with the SAP motif, which could be involved in DNA binding (PMID:12732141; PMID:15620697). Based on the available evidence, the variant c.1606C>A, p.Leu536Met in the PHACTR1 gene is classified as pathogenic.

NM_030948.6(PHACTR1):c.1396C>A (p.Leu466Met)

Genes: PHACTR1 (phosphatase and actin regulator 1; plus strand), TBC1D7-LOC100130357 (TBC1D7-LOC100130357 readthrough; minus strand). Cytogenetic location: 6p24.1.
Variant type: single nucleotide variant.
Coding change: c.1396C>A on transcript NM_030948.6 (MANE Select); coding-DNA position 1396, C replaced by A.
Protein change: p.Leu466Met; replaces leucine 466 with methionine.
Molecular consequence: missense variant. On other transcripts: intron variant (1).
Genome position (GRCh38, 1-based): chr6:13,272,864, C>A. VCF-style: chr6-13272864-C-A. GRCh37 (hg19) VCF-style: chr6-13273096-C-A.
Other names: c.1396C>A, p.Leu466Met (NM_001242648.4, NM_001322308.3, NM_001322309.3 and 1 more transcripts); c.1603C>A, p.Leu535Met (NM_001322310.2); c.1120C>A, p.Leu374Met (NM_001322311.2, NM_001322312.3, NM_001374583.2); c.1327C>A, p.Leu443Met (NM_001322313.2); c.1606C>A, p.Leu536Met (NM_001322314.4); c.*40-5029G>T (NM_001318809.2); short protein forms L374M, L443M, L466M, L535M, L536M.
Identifiers: ClinVar variation 1679588 (VCV001679588.1), dbSNP rs2127450867, ClinGen allele CA362760988.
Genomic context (GRCh38, chr6:13,272,864, plus strand): 5'-ATGACCCAAGGAGGCTATGATATGGTCCAAAAACTTTTCCTGGATTTTTTCCGTAGGCGG[C>A]TGAGCCAGAGGCCAACTGCAGAGGAACTGGAACAGAGGAACATTTTGAAACGTAAGTGAC-3'
Protein context (NP_112210.1, residues 456-476): QQIGTKLTRR[Leu466Met]SQRPTAEELE